The following is an entry in ClinVar:

NM_153704.6(TMEM67):c.2525A>T (p.His842Leu)

Gene: TMEM67 (transmembrane protein 67; plus strand). Cytogenetic location: 8q22.1.
Variant type: single nucleotide variant.
Coding change: c.2525A>T on transcript NM_153704.6 (MANE Select); coding-DNA position 2525, A replaced by T.
Protein change: p.His842Leu; replaces histidine 842 with leucine.
Molecular consequence: missense variant. On other transcripts: non-coding transcript variant (1).
Genome position (GRCh38, 1-based): chr8:93,808,925, A>T. VCF-style: chr8-93808925-A-T. GRCh37 (hg19) VCF-style: chr8-94821153-A-T.
Other names: c.2282A>T, p.His761Leu (NM_001142301.1); short protein forms H761L, H842L.
Identifiers: ClinVar variation 4980031 (VCV004980031.1).
Genomic context (GRCh38, chr8:93,808,925, plus strand): 5'-TGGTACCCAACACAGATGGTCAGACTTTTGAGATTGCAATTTCTAACCAGATGAGACAAC[A>T]TTATGACAGAATTCATGAGACACTAATAAGGGTTTGTATAAAGTACAGTTCAGATATATT-3'
Protein context (NP_714915.3, residues 832-852): EIAISNQMRQ[His842Leu]YDRIHETLIR

ClinVar aggregate classification (germline): Uncertain significance (1 of 4 stars; one submission).

Conditions:
TMEM67-related disorder. Also called: TMEM67-related condition; TMEM67-related disorders. Identifiers: MedGen CN239423.

gnomAD v4.1: 28 of 1,611,422 alleles (0.0017%); highest among the groups gnomAD compares: Non-Finnish European, 0.0023%; no homozygotes.

Submission:

PreventionGenetics, part of Exact Sciences
Classification: Uncertain significance for TMEM67-related condition. Last evaluated: 2026-08-25. Review status: criteria provided, single submitter. Criteria: ACMG Guidelines, 2015. Collection method: clinical testing. Allele origin: germline.
Comment: The TMEM67 c.2525A>T variant is predicted to result in the amino acid substitution p.His842Leu. To our knowledge, this variant has not been reported in the literature. This variant is reported in 0.0026% of alleles in individuals of European (Non-Finnish) descent in gnomAD. At this time, the clinical significance of this variant is uncertain due to the absence of conclusive functional and genetic evidence.